The following is an entry in ClinVar:

ClinVar aggregate classification (germline): Uncertain significance. Review status: criteria provided, multiple submitters, no conflicts (2 of 4 stars). 2 submissions from 2 submitters: Uncertain significance (2). Last evaluated 2022-10-19.

Allele frequency attached by ClinVar (database versions not stated): TOPMed below 0.00001; gnomAD 0.00001.

Submissions (2):

GeneDx
Classification: Uncertain significance. Last evaluated: 2022-10-19. Review status: criteria provided, single submitter. Criteria: GeneDx Variant Classification Process June 2021. Collection method: clinical testing. Allele origin: germline. Affected: yes.
Comment: In silico analysis supports that this missense variant has a deleterious effect on protein structure/function; Has not been previously published as pathogenic or benign to our knowledge

Labcorp Genetics (formerly Invitae), Labcorp
Classification: Uncertain significance. Last evaluated: 2019-03-02. Review status: criteria provided, single submitter. Criteria: Invitae Variant Classification Sherloc (09022015). Collection method: clinical testing. Allele origin: germline.
Comment: This sequence change replaces arginine with lysine at codon 292 of the ASXL3 protein (p.Arg292Lys). The arginine residue is highly conserved and there is a small physicochemical difference between arginine and lysine. This variant is not present in population databases (ExAC no frequency). This variant has not been reported in the literature in individuals with ASXL3-related conditions. Algorithms developed to predict the effect of missense changes on protein structure and function are either unavailable or do not agree on the potential impact of this missense change (SIFT: "Deleterious"; PolyPhen-2: "Probably Damaging"; Align-GVGD: "Class C0"). In summary, the available evidence is currently insufficient to determine the role of this variant in disease. Therefore, it has been classified as a Variant of Uncertain Significance.

NM_030632.3(ASXL3):c.875G>A (p.Arg292Lys)

Gene: ASXL3 (ASXL transcriptional regulator 3; plus strand). Cytogenetic location: 18q12.1.
Variant type: single nucleotide variant.
Coding change: c.875G>A on transcript NM_030632.3 (MANE Select); coding-DNA position 875, G replaced by A.
Protein change: p.Arg292Lys; replaces arginine 292 with lysine.
Molecular consequence: missense variant.
Genome position (GRCh38, 1-based): chr18:33,683,564, G>A. VCF-style: chr18-33683564-G-A. GRCh37 (hg19) VCF-style: chr18-31263528-G-A.
Other names: c.875G>A (NM_030632.1); short protein forms R292K.
Identifiers: ClinVar variation 858551 (VCV000858551.8), dbSNP rs1411906940, ClinGen allele CA402170550.
Genomic context (GRCh38, chr18:33,683,564, plus strand): 5'-TTGCTTCCTTACCTCAGCATTTTCAACAATACCTCCTGCTTTTGCTCCCAGAAGTGGATA[G>A]GCAGGTAAGTAGAAGTTTTAGACATTTGATACCAGCCACTAGTTATATTATGATGAAGTG-3'
Protein context (NP_085135.1, residues 282-302): YLLLLLPEVD[Arg292Lys]QMGSDGILRL